The following is an entry in ClinVar:

ClinVar aggregate classification (germline): Likely benign (0 of 4 stars; one submission).

Conditions:
MYF5-related disorder. Also called: MYF5-related condition.

Allele frequency attached by ClinVar (database versions not stated): ExAC 0.00012; 1000 Genomes Project 30x 0.00031; 1000 Genomes Project 0.00040; gnomAD 0.00057; TOPMed 0.00057.
gnomAD v4.1: 169 of 1,612,952 alleles (0.01%); highest among the groups gnomAD compares: Admixed American, 0.28%; no homozygotes.

Submission:

PreventionGenetics, part of Exact Sciences
Classification: Likely benign for MYF5-related condition. Last evaluated: 2019-06-13. Review status: no assertion criteria provided. Collection method: clinical testing. Allele origin: germline.
Comment: This variant is classified as likely benign based on ACMG/AMP sequence variant interpretation guidelines (Richards et al. 2015 PMID: 25741868, with internal and published modifications).

NM_005593.3(MYF5):c.54C>T (p.Gly18=)

Gene: MYF5 (myogenic factor 5; plus strand). Cytogenetic location: 12q21.31.
Variant type: single nucleotide variant.
Coding change: c.54C>T on transcript NM_005593.3 (MANE Select); coding-DNA position 54, C replaced by T.
Protein change: p.Gly18=; no amino-acid change (glycine 18 retained).
Molecular consequence: synonymous variant.
Genome position (GRCh38, 1-based): chr12:80,717,117, C>T. VCF-style: chr12-80717117-C-T. GRCh37 (hg19) VCF-style: chr12-81110896-C-T.
Identifiers: ClinVar variation 3034100 (VCV003034100.2), dbSNP rs188625355, ClinGen allele CA6703200.